The following is an entry in ClinVar:

NM_013275.6(ANKRD11):c.1871A>G (p.Lys624Arg)

Gene: ANKRD11 (ankyrin repeat domain 11; minus strand). Cytogenetic location: 16q24.3.
Variant type: single nucleotide variant.
Coding change: c.1871A>G on transcript NM_013275.6 (MANE Select); coding-DNA position 1871, A replaced by G.
Protein change: p.Lys624Arg; replaces lysine 624 with arginine.
Molecular consequence: missense variant.
Genome position (GRCh38, 1-based): chr16:89,284,671, T>C on the plus strand (A>G on the coding strand, the complement: ANKRD11 is on the minus strand). VCF-style: chr16-89284671-T-C. GRCh37 (hg19) VCF-style: chr16-89351079-T-C.
Other names: c.1871A>G, p.Lys624Arg (NM_001256182.2, NM_001256183.2); short protein forms K624R.
Identifiers: ClinVar variation 2227699 (VCV002227699.5), dbSNP rs2034518561, ClinGen allele CA397163736.
Genomic context (GRCh38, chr16:89,284,671, plus strand): 5'-CCCTTCTCCTTGTTTTTGTGTTTGTGTTTTGTTTTATGTTTTTTGACAACTTTCCCCTCC[T>C]TGTCCAGTTTGGGGACAGCGCCCTCCGCGCTGGACAGGAAGGGGCTCTTCTTCTCCGACA-3'
Protein context (NP_037407.4, residues 614-634): SAEGAVPKLD[Lys624Arg]EGKVVKKHKT

ClinVar aggregate classification (germline): Uncertain significance. Review status: criteria provided, multiple submitters, no conflicts (2 of 4 stars). 2 submissions from 2 submitters: Uncertain significance (2). Last evaluated 2023-06-15.

Conditions:
Inborn genetic diseases. Identifiers: MedGen C0950123, MeSH D030342.
KBG syndrome (KBGS). Also called: ANKRD11-Related KBG Syndrome. Identifiers: Orphanet 2332, MedGen C0220687, MONDO:0007846, OMIM 148050.

Allele frequency attached by ClinVar (database versions not stated): gnomAD exomes below 0.00001.
gnomAD v4.1: 6 of 1,614,002 alleles (0.00037%); highest among the groups gnomAD compares: Non-Finnish European, 0.00051%; no homozygotes.

Submissions (2):

Labcorp Genetics (formerly Invitae), Labcorp
Classification: Uncertain significance for KBG syndrome. Last evaluated: 2023-06-15. Review status: criteria provided, single submitter. Criteria: Invitae Variant Classification Sherloc (09022015). Collection method: clinical testing. Allele origin: germline.
Comment: In summary, the available evidence is currently insufficient to determine the role of this variant in disease. Therefore, it has been classified as a Variant of Uncertain Significance. Advanced modeling of protein sequence and biophysical properties (such as structural, functional, and spatial information, amino acid conservation, physicochemical variation, residue mobility, and thermodynamic stability) performed at Invitae indicates that this missense variant is not expected to disrupt ANKRD11 protein function. ClinVar contains an entry for this variant (Variation ID: 2227699). This variant has not been reported in the literature in individuals affected with ANKRD11-related conditions. This variant is not present in population databases (gnomAD no frequency). This sequence change replaces lysine, which is basic and polar, with arginine, which is basic and polar, at codon 624 of the ANKRD11 protein (p.Lys624Arg).

Ambry Genetics
Classification: Uncertain significance for Inborn genetic diseases. Last evaluated: 2020-09-23. Review status: criteria provided, single submitter. Criteria: Ambry Variant Classification Scheme 2023. Collection method: clinical testing. Allele origin: germline.
Comment: The c.1871A>G (p.K624R) alteration is located in exon 9 (coding exon 7) of the ANKRD11 gene. This alteration results from an A to G substitution at nucleotide position 1871, causing the lysine (K) at amino acid position 624 to be replaced by an arginine (R). Based on data from the Genome Aggregation Database (gnomAD), the ANKRD11 c.1871A>G alteration was not observed, with coverage at this position. This amino acid position is well conserved in available vertebrate species. The p.K624R alteration is predicted to be tolerated by in silico analysis. Based on insufficient or conflicting evidence, the clinical significance of this alteration remains unclear.